The following is an entry in ClinVar:

NM_017986.4(SLC52A1):c.1095C>A (p.Cys365Ter)

Gene: SLC52A1 (solute carrier family 52 member 1; minus strand). Cytogenetic location: 17p13.2.
Variant type: single nucleotide variant.
Coding change: c.1095C>A on transcript NM_017986.4 (MANE Select); coding-DNA position 1095, C replaced by A.
Protein change: p.Cys365Ter; replaces cysteine 365 with a stop codon.
Molecular consequence: nonsense.
Genome position (GRCh38, 1-based): chr17:5,033,300, G>T on the plus strand (C>A on the coding strand, the complement: SLC52A1 is on the minus strand). VCF-style: chr17-5033300-G-T. GRCh37 (hg19) VCF-style: chr17-4936595-G-T.
Other names: c.1095C>A, p.Cys365Ter (NM_001104577.2); short protein forms C365*.
Identifiers: ClinVar variation 1490900 (VCV001490900.6), dbSNP rs1204849464, ClinGen allele CA397326087.

ClinVar aggregate classification (germline): Uncertain significance (1 of 4 stars; one submission).

Conditions:
Vitamin B2 deficiency. Identifiers: MedGen C0035528.

Submission:

Labcorp Genetics (formerly Invitae), Labcorp
Classification: Uncertain significance for Vitamin B2 deficiency. Last evaluated: 2021-09-16. Review status: criteria provided, single submitter. Criteria: Invitae Variant Classification Sherloc (09022015). Collection method: clinical testing. Allele origin: germline.
Comment: In summary, the available evidence is currently insufficient to determine the role of this variant in disease. Therefore, it has been classified as a Variant of Uncertain Significance. Experimental studies and prediction algorithms are not available or were not evaluated, and the functional significance of this variant is currently unknown. This variant has not been reported in the literature in individuals affected with SLC52A1-related conditions. This variant is not present in population databases (ExAC no frequency). This sequence change creates a premature translational stop signal (p.Cys365*) in the SLC52A1 gene. While this is not anticipated to result in nonsense mediated decay, it is expected to disrupt the last 84 amino acid(s) of the SLC52A1 protein.